The following is an entry in ClinVar:

ClinVar aggregate classification (germline): Uncertain significance. Review status: criteria provided, multiple submitters, no conflicts (2 of 4 stars). 2 submissions from 2 submitters: Uncertain significance (2). Last evaluated 2025-03-31.

Conditions:
Cardiovascular phenotype. Identifiers: MedGen CN230736.
Catecholaminergic polymorphic ventricular tachycardia 1. Also called: VENTRICULAR TACHYCARDIA, STRESS-INDUCED POLYMORPHIC 1; VENTRICULAR TACHYCARDIA, CATECHOLAMINERGIC POLYMORPHIC, 1, WITH OR WITHOUT ATRIAL DYSFUNCTION AND/OR DILATED CARDIOMYOPATHY; RYR2-Related Catecholaminergic Polymorphic Ventricular Tachycardia. Identifiers: Orphanet 3286, MedGen C1631597, MONDO:0011484, OMIM 604772.

Allele frequency attached by ClinVar (database versions not stated): gnomAD exomes below 0.00001; ExAC 0.00001; gnomAD 0.00001; TOPMed 0.00002.
gnomAD v4.1: 5 of 1,605,390 alleles (0.00031%); highest among the groups gnomAD compares: Admixed American, 0.0017%; no homozygotes.

Submissions (2):

Ambry Genetics
Classification: Uncertain significance for Cardiovascular phenotype. Last evaluated: 2025-03-31. Review status: criteria provided, single submitter. Criteria: Ambry Variant Classification Scheme 2023. Collection method: clinical testing. Allele origin: germline.
Comment: The p.Q703H variant (also known as c.2109G>T), located in coding exon 41 of the TRDN gene, results from a G to T substitution at nucleotide position 2109. The glutamine at codon 703 is replaced by histidine, an amino acid with highly similar properties. This amino acid position is conserved. In addition, the in silico prediction for this alteration is inconclusive. Based on the available evidence, the clinical significance of this variant remains unclear.

Labcorp Genetics (formerly Invitae), Labcorp
Classification: Uncertain significance for Catecholaminergic polymorphic ventricular tachycardia 1. Last evaluated: 2022-05-04. Review status: criteria provided, single submitter. Criteria: Invitae Variant Classification Sherloc (09022015). Collection method: clinical testing. Allele origin: germline.
Comment: This sequence change replaces glutamine, which is neutral and polar, with histidine, which is basic and polar, at codon 703 of the TRDN protein (p.Gln703His). This variant is not present in population databases (gnomAD no frequency). This variant has not been reported in the literature in individuals affected with TRDN-related conditions. Algorithms developed to predict the effect of missense changes on protein structure and function are either unavailable or do not agree on the potential impact of this missense change (SIFT: "Deleterious"; PolyPhen-2: "Probably Damaging"; Align-GVGD: "Class C0"). In summary, the available evidence is currently insufficient to determine the role of this variant in disease. Therefore, it has been classified as a Variant of Uncertain Significance.

NM_006073.4(TRDN):c.2109G>T (p.Gln703His)

Gene: TRDN (triadin; minus strand). Cytogenetic location: 6q22.31.
Variant type: single nucleotide variant.
Coding change: c.2109G>T on transcript NM_006073.4 (MANE Select); coding-DNA position 2109, G replaced by T.
Protein change: p.Gln703His; replaces glutamine 703 with histidine.
Molecular consequence: missense variant.
Genome position (GRCh38, 1-based): chr6:123,218,682, C>A on the plus strand (G>T on the coding strand, the complement: TRDN is on the minus strand). VCF-style: chr6-123218682-C-A. GRCh37 (hg19) VCF-style: chr6-123539827-C-A.
Other names: c.2109G>T (NM_006073.2); short protein forms Q703H.
Identifiers: ClinVar variation 2200549 (VCV002200549.2), dbSNP rs752248825, ClinGen allele CA3983595.
Genomic context (GRCh38, chr6:123,218,682, plus strand): 5'-TCCTGGAGAATTTGCTTGACCAGAGCTCTCTCCAGGGCGGTCTGCAGGAGTGAAAGGAAA[C>A]TGAAATCCATAGCCATTGTACCCATCCAAGTAGACACACTGGAAGAAACTGATGGGACCT-3'
Protein context (NP_006064.2, residues 693-713): YLDGYNGYGF[Gln703His]FPFTPADRPG